The following is an entry in ClinVar:

NM_003640.5(ELP1):c.2051A>G (p.His684Arg)

Gene: ELP1 (elongator acetyltransferase complex subunit 1; minus strand). Cytogenetic location: 9q31.3.
Variant type: single nucleotide variant.
Coding change: c.2051A>G on transcript NM_003640.5 (MANE Select); coding-DNA position 2051, A replaced by G.
Protein change: p.His684Arg; replaces histidine 684 with arginine.
Molecular consequence: missense variant.
Genome position (GRCh38, 1-based): chr9:108,900,339, T>C on the plus strand (A>G on the coding strand, the complement: ELP1 is on the minus strand). VCF-style: chr9-108900339-T-C. GRCh37 (hg19) VCF-style: chr9-111662619-T-C.
Other names: c.1709A>G, p.His570Arg (NM_001318360.2); c.1004A>G, p.His335Arg (NM_001330749.2); short protein forms H335R, H570R, H684R.
Identifiers: ClinVar variation 1799921 (VCV001799921.2), dbSNP rs570649293, ClinGen allele CA5174789.

ClinVar aggregate classification (germline): Uncertain significance (1 of 4 stars; one submission).

Allele frequency attached by ClinVar (database versions not stated): TOPMed below 0.00001; gnomAD 0.00001; ExAC 0.00002; 1000 Genomes Project 30x 0.00016; 1000 Genomes Project 0.00020.
gnomAD v4.1: 3 of 1,614,178 alleles (0.00019%); highest among the groups gnomAD compares: South Asian, 0.0033%; no homozygotes.

Submission:

Ambry Genetics
Classification: Uncertain significance. Last evaluated: 2021-06-14. Review status: criteria provided, single submitter. Criteria: Ambry Variant Classification Scheme 2023. Collection method: clinical testing. Allele origin: germline.
Comment: The p.H684R variant (also known as c.2051A>G), located in coding exon 18 of the IKBKAP gene, results from an A to G substitution at nucleotide position 2051. The histidine at codon 684 is replaced by arginine, an amino acid with highly similar properties. This amino acid position is poorly conserved in available vertebrate species. In addition, this alteration is predicted to be tolerated by in silico analysis. Since supporting evidence is limited at this time, the clinical significance of this alteration remains unclear.